The following is an entry in ClinVar:

NM_001105206.3(LAMA4):c.5419A>G (p.Lys1807Glu)

Gene: LAMA4 (laminin subunit alpha 4; minus strand). Cytogenetic location: 6q21.
Variant type: single nucleotide variant.
Coding change: c.5419A>G on transcript NM_001105206.3 (MANE Select); coding-DNA position 5419, A replaced by G.
Protein change: p.Lys1807Glu; replaces lysine 1807 with glutamic acid.
Molecular consequence: missense variant.
Genome position (GRCh38, 1-based): chr6:112,109,490, T>C on the plus strand (A>G on the coding strand, the complement: LAMA4 is on the minus strand). VCF-style: chr6-112109490-T-C. GRCh37 (hg19) VCF-style: chr6-112430693-T-C.
Other names: c.5398A>G, p.Lys1800Glu (NM_001105207.3, NM_002290.5); short protein forms K1800E, K1807E.
Identifiers: ClinVar variation 2844181 (VCV002844181.3), dbSNP rs2546957107, ClinGen allele CA365363336.

ClinVar aggregate classification (germline): Uncertain significance (1 of 4 stars; one submission).

Conditions:
Dilated cardiomyopathy 1JJ (CMD1JJ). Identifiers: Orphanet 154, MedGen C3808935, MONDO:0014095, OMIM 615235.

Submission:

Labcorp Genetics (formerly Invitae), Labcorp
Classification: Uncertain significance for Dilated cardiomyopathy 1JJ. Last evaluated: 2023-03-08. Review status: criteria provided, single submitter. Criteria: Invitae Variant Classification Sherloc (09022015). Collection method: clinical testing. Allele origin: germline.
Comment: This sequence change replaces lysine, which is basic and polar, with glutamic acid, which is acidic and polar, at codon 1800 of the LAMA4 protein (p.Lys1800Glu). This variant is not present in population databases (gnomAD no frequency). This variant has not been reported in the literature in individuals affected with LAMA4-related conditions. An algorithm developed to predict the effect of missense changes on protein structure and function (PolyPhen-2) suggests that this variant is likely to be disruptive. In summary, the available evidence is currently insufficient to determine the role of this variant in disease. Therefore, it has been classified as a Variant of Uncertain Significance.